The following is an entry in ClinVar:

NM_001563.4(IMPG1):c.679G>A (p.Glu227Lys)

Gene: IMPG1 (interphotoreceptor matrix proteoglycan 1; minus strand). Cytogenetic location: 6q14.1.
Variant type: single nucleotide variant.
Coding change: c.679G>A on transcript NM_001563.4 (MANE Select); coding-DNA position 679, G replaced by A.
Protein change: p.Glu227Lys; replaces glutamic acid 227 with lysine.
Molecular consequence: missense variant.
Genome position (GRCh38, 1-based): chr6:76,018,846, C>T on the plus strand (G>A on the coding strand, the complement: IMPG1 is on the minus strand). VCF-style: chr6-76018846-C-T. GRCh37 (hg19) VCF-style: chr6-76728563-C-T.
Other names: c.445G>A, p.Glu149Lys (NM_001282368.2); short protein forms E149K, E227K.
Identifiers: ClinVar variation 1350100 (VCV001350100.6), dbSNP rs2149482430, ClinGen allele CA364779064.

ClinVar aggregate classification (germline): Uncertain significance (1 of 4 stars; one submission).

Submission:

Labcorp Genetics (formerly Invitae), Labcorp
Classification: Uncertain significance. Last evaluated: 2022-11-01. Review status: criteria provided, single submitter. Criteria: Invitae Variant Classification Sherloc (09022015). Collection method: clinical testing. Allele origin: germline.
Comment: Algorithms developed to predict the effect of missense changes on protein structure and function (SIFT, PolyPhen-2, Align-GVGD) all suggest that this variant is likely to be tolerated. In summary, the available evidence is currently insufficient to determine the role of this variant in disease. Therefore, it has been classified as a Variant of Uncertain Significance. ClinVar contains an entry for this variant (Variation ID: 1350100). This sequence change replaces glutamic acid, which is acidic and polar, with lysine, which is basic and polar, at codon 227 of the IMPG1 protein (p.Glu227Lys). This variant is not present in population databases (gnomAD no frequency). This variant has not been reported in the literature in individuals affected with IMPG1-related conditions.